The following is an entry in ClinVar:

ClinVar aggregate classification (germline): Uncertain significance (1 of 4 stars; one submission).

Allele frequency attached by ClinVar (database versions not stated): ExAC 0.00004; gnomAD 0.00007; gnomAD exomes 0.00011; ESP Exome Variant Server 0.00024; TOPMed 0.00011.
gnomAD v4.1: 179 of 1,613,876 alleles (0.011%); highest among the groups gnomAD compares: Non-Finnish European, 0.014%; no homozygotes.

Submission:

Labcorp Genetics (formerly Invitae), Labcorp
Classification: Uncertain significance. Last evaluated: 2025-09-21. Review status: criteria provided, single submitter. Criteria: Invitae Variant Classification Sherloc (09022015). Collection method: clinical testing. Allele origin: germline.
Comment: This sequence change falls in intron 4 of the IL18BP gene. It does not directly change the encoded amino acid sequence of the IL18BP protein. It affects a nucleotide within the consensus splice site. This variant is present in population databases (rs200352241, gnomAD 0.01%). This variant has not been reported in the literature in individuals affected with IL18BP-related conditions. ClinVar contains an entry for this variant (Variation ID: 1974636). Variants that disrupt the consensus splice site are a relatively common cause of aberrant splicing (PMID: 17576681, 9536098). Algorithms developed to predict the effect of sequence changes on RNA splicing suggest that this variant may disrupt the consensus splice site. In summary, the available evidence is currently insufficient to determine the role of this variant in disease. Therefore, it has been classified as a Variant of Uncertain Significance.

Literature cited by the submitters: PubMed 17576681; PubMed 9536098.

NM_001039660.2(IL18BP):c.508-2A>T

Gene: IL18BP (interleukin 18 binding protein; plus strand). Cytogenetic location: 11q13.4.
Variant type: single nucleotide variant.
Coding change: c.508-2A>T on transcript NM_001039660.2 (MANE Select); the canonical splice acceptor site of the intron before coding-DNA position 508, A replaced by T.
Molecular consequence: splice acceptor variant. On other transcripts: 3 prime UTR variant (1).
Genome position (GRCh38, 1-based): chr11:72,001,782, A>T. VCF-style: chr11-72001782-A-T. GRCh37 (hg19) VCF-style: chr11-71712828-A-T.
Other names: c.*137A>T (NM_005699.3); c.508-2A>T (NM_001039659.2, NM_173042.2, NM_001145057.1); c.380-2A>T (NM_173044.3); c.236-2A>T (NM_001145055.1).
Identifiers: ClinVar variation 1974636 (VCV001974636.5), dbSNP rs200352241, ClinGen allele CA6166295.